The following is an entry in ClinVar:

NM_017849.4(TMEM127):c.40C>G (p.Arg14Gly)

Genes: TMEM127 (transmembrane protein 127; minus strand), LOC129934333 (ATAC-STARR-seq lymphoblastoid silent region 11759; plus strand). Cytogenetic location: 2q11.2.
Variant type: single nucleotide variant.
Coding change: c.40C>G on transcript NM_017849.4 (MANE Select); coding-DNA position 40, C replaced by G.
Protein change: p.Arg14Gly; replaces arginine 14 with glycine.
Molecular consequence: missense variant.
Genome position (GRCh38, 1-based): chr2:96,265,342, G>C on the plus strand (C>G on the coding strand, the complement: TMEM127 is on the minus strand). VCF-style: chr2-96265342-G-C. GRCh37 (hg19) VCF-style: chr2-96931080-G-C.
Other names: c.40C>G (NM_017849.3); c.40C>G, p.Arg14Gly (NM_001193304.3); short protein forms R14G.
Identifiers: ClinVar variation 1431604 (VCV001431604.9), dbSNP rs1684395815, ClinGen allele CA347656256.

ClinVar aggregate classification (germline): Uncertain significance. Review status: criteria provided, multiple submitters, no conflicts (2 of 4 stars). 2 submissions from 2 submitters: Uncertain significance (2). Last evaluated 2024-01-11.

Conditions:
Hereditary pheochromocytoma and paraganglioma. Also called: Hereditary paragangliomas and pheochromocytomas; Hereditary Paraganglioma-Pheochromocytoma Syndromes; Hereditary pheochromocytoma-paraganglioma. Identifiers: Orphanet 29072, MedGen C4274332, MONDO:0017366.
Hereditary cancer-predisposing syndrome. Also called: Tumor predisposition; Hereditary Cancer Syndrome; Hereditary neoplastic syndrome; Neoplastic Syndromes, Hereditary. Identifiers: Orphanet 140162, MedGen C0027672, MeSH D009386, MONDO:0015356.

Submissions (2):

Labcorp Genetics (formerly Invitae), Labcorp
Classification: Uncertain significance for Hereditary pheochromocytoma and paraganglioma. Last evaluated: 2024-01-11. Review status: criteria provided, single submitter. Criteria: Invitae Variant Classification Sherloc (09022015). Collection method: clinical testing. Allele origin: germline.
Comment: This sequence change replaces arginine, which is basic and polar, with glycine, which is neutral and non-polar, at codon 14 of the TMEM127 protein (p.Arg14Gly). This variant is not present in population databases (gnomAD no frequency). This variant has not been reported in the literature in individuals affected with TMEM127-related conditions. ClinVar contains an entry for this variant (Variation ID: 1431604). Experimental studies and prediction algorithms are not available or were not evaluated, and the functional significance of this variant is currently unknown. In summary, the available evidence is currently insufficient to determine the role of this variant in disease. Therefore, it has been classified as a Variant of Uncertain Significance.

Ambry Genetics
Classification: Uncertain significance for Hereditary cancer-predisposing syndrome. Last evaluated: 2023-02-15. Review status: criteria provided, single submitter. Criteria: Ambry Variant Classification Scheme 2023. Collection method: clinical testing. Allele origin: germline.
Comment: The p.R14G variant (also known as c.40C>G), located in coding exon 1 of the TMEM127 gene, results from a C to G substitution at nucleotide position 40. The arginine at codon 14 is replaced by glycine, an amino acid with dissimilar properties. This amino acid position is conserved. In addition, the in silico prediction for this alteration is inconclusive. Since supporting evidence is limited at this time, the clinical significance of this alteration remains unclear.